The following is an entry in ClinVar:

NM_004984.4(KIF5A):c.2840C>G (p.Thr947Ser)

Gene: KIF5A (kinesin family member 5A; plus strand). Cytogenetic location: 12q13.3.
Variant type: single nucleotide variant.
Coding change: c.2840C>G on transcript NM_004984.4 (MANE Select); coding-DNA position 2840, C replaced by G.
Protein change: p.Thr947Ser; replaces threonine 947 with serine.
Molecular consequence: missense variant.
Genome position (GRCh38, 1-based): chr12:57,581,499, C>G. VCF-style: chr12-57581499-C-G. GRCh37 (hg19) VCF-style: chr12-57975282-C-G.
Other names: c.2573C>G, p.Thr858Ser (NM_001354705.2); short protein forms T947S, T858S.
Identifiers: ClinVar variation 2067673 (VCV002067673.5), dbSNP rs1478755471, ClinGen allele CA385515889.

ClinVar aggregate classification (germline): Uncertain significance. Review status: criteria provided, multiple submitters, no conflicts (2 of 4 stars). 2 submissions from 2 submitters: Uncertain significance (2). Last evaluated 2025-10-27.

Conditions:
Inborn genetic diseases. Identifiers: MedGen C0950123, MeSH D030342.
Spastic paraplegia. Identifiers: MedGen C0037772, HP:0001258.

Allele frequency attached by ClinVar (database versions not stated): gnomAD exomes 0.00001.

Submissions (2):

Labcorp Genetics (formerly Invitae), Labcorp
Classification: Uncertain significance for Spastic paraplegia. Last evaluated: 2025-10-27. Review status: criteria provided, single submitter. Criteria: Invitae Variant Classification Sherloc (09022015). Collection method: clinical testing. Allele origin: germline.
Comment: This sequence change replaces threonine, which is neutral and polar, with serine, which is neutral and polar, at codon 947 of the KIF5A protein (p.Thr947Ser). This variant is present in population databases (no rsID available, gnomAD 0.0009%). This variant has not been reported in the literature in individuals affected with KIF5A-related conditions. ClinVar contains an entry for this variant (Variation ID: 2067673). Invitae Evidence Modeling of protein sequence and biophysical properties (such as structural, functional, and spatial information, amino acid conservation, physicochemical variation, residue mobility, and thermodynamic stability) indicates that this missense variant is not expected to disrupt KIF5A protein function with a negative predictive value of 95%. In summary, the available evidence is currently insufficient to determine the role of this variant in disease. Therefore, it has been classified as a Variant of Uncertain Significance.

Ambry Genetics
Classification: Uncertain significance for Inborn genetic diseases. Last evaluated: 2021-08-13. Review status: criteria provided, single submitter. Criteria: Ambry Variant Classification Scheme 2023. Collection method: clinical testing. Allele origin: germline.